The following is an entry in ClinVar:

NM_013280.5(FLRT1):c.108C>T (p.Phe36=)

Genes: MACROD1 (mono-ADP ribosylhydrolase 1; minus strand), FLRT1 (fibronectin leucine rich transmembrane protein 1; plus strand). Cytogenetic location: 11q13.1.
Variant type: single nucleotide variant.
Coding change: c.108C>T on transcript NM_013280.5 (MANE Select); coding-DNA position 108, C replaced by T.
Protein change: p.Phe36=; no amino-acid change (phenylalanine 36 retained).
Molecular consequence: synonymous variant. On other transcripts: intron variant (2).
Genome position (GRCh38, 1-based): chr11:64,116,375, C>T. VCF-style: chr11-64116375-C-T. GRCh37 (hg19) VCF-style: chr11-63883847-C-T.
Other names: c.108C>T, p.Phe36= (NM_001384466.1); c.24C>T, p.Phe8= (NM_001423967.1); c.517+34864G>A (NM_001411019.1, NM_014067.4).
Identifiers: ClinVar variation 461792 (VCV000461792.14), dbSNP rs200588570, ClinGen allele CA6067414.

ClinVar aggregate classification (germline): Benign. Review status: criteria provided, multiple submitters, no conflicts (2 of 4 stars). 3 submissions from 3 submitters: Benign (2). 1 of the submissions does not count toward it. Last evaluated 2022-09-19.

Conditions:
FLRT1-related disorder. Also called: FLRT1-related condition.
Peripheral neuropathy. Also called: Neuropathy. Identifiers: MedGen C0031117, MONDO:0005244, HP:0009830.

Allele frequency attached by ClinVar (database versions not stated): 1000 Genomes Project 30x 0.00016; 1000 Genomes Project 0.00020; gnomAD exomes 0.00157 and 0.00271; gnomAD 0.00165 and 0.00166; ExAC 0.00210; TOPMed 0.00213.
gnomAD v4.1: 2,683 of 1,613,646 alleles (0.17%); highest among the groups gnomAD compares: Middle Eastern, 0.82%; 27 homozygotes.

Submissions (3):

Labcorp Genetics (formerly Invitae), Labcorp
Classification: Benign for Peripheral neuropathy. Last evaluated: 2022-09-19. Review status: criteria provided, single submitter. Criteria: Invitae Variant Classification Sherloc (09022015). Collection method: clinical testing. Allele origin: germline.

Breakthrough Genomics
Classification: Benign. Review status: criteria provided, single submitter. Criteria: ACMG Guidelines, 2015. Collection method: not provided. Allele origin: germline. Inheritance: Unknown mechanism. Affected: yes.

PreventionGenetics, part of Exact Sciences
Classification: Likely benign for FLRT1-related condition. Last evaluated: 2024-07-22. Review status: no assertion criteria provided. Collection method: clinical testing. Allele origin: germline. Not counted in ClinVar's aggregate classification.
Comment: This variant is classified as likely benign based on ACMG/AMP sequence variant interpretation guidelines (Richards et al. 2015 PMID: 25741868, with internal and published modifications).